The following is an entry in ClinVar:

ClinVar aggregate classification (germline): Uncertain significance (1 of 4 stars; one submission).

Submission:

Labcorp Genetics (formerly Invitae), Labcorp
Classification: Uncertain significance. Last evaluated: 2026-01-06. Review status: criteria provided, single submitter. Criteria: Invitae Variant Classification Sherloc (09022015). Collection method: clinical testing. Allele origin: germline.
Comment: This sequence change replaces arginine, which is basic and polar, with leucine, which is neutral and non-polar, at codon 761 of the ATP2A2 protein (p.Arg761Leu). This variant is not present in population databases (gnomAD no frequency). This missense change has been observed in individual(s) with Darier disease (PMID: 20204653). Invitae Evidence Modeling of protein sequence and biophysical properties (such as structural, functional, and spatial information, amino acid conservation, physicochemical variation, residue mobility, and thermodynamic stability) has been performed for this missense variant. However, the output from this modeling did not meet the statistical confidence thresholds required to predict the impact of this variant on ATP2A2 protein function. In summary, the available evidence is currently insufficient to determine the role of this variant in disease. Therefore, it has been classified as a Variant of Uncertain Significance.

Literature cited by the submitters: PubMed 20204653.

NM_170665.4(ATP2A2):c.2282G>T (p.Arg761Leu)

Gene: ATP2A2 (ATPase sarcoplasmic/endoplasmic reticulum Ca2+ transporting 2; plus strand). Cytogenetic location: 12q24.11.
Variant type: single nucleotide variant.
Coding change: c.2282G>T on transcript NM_170665.4 (MANE Select); coding-DNA position 2282, G replaced by T.
Protein change: p.Arg761Leu; replaces arginine 761 with leucine.
Molecular consequence: missense variant.
Genome position (GRCh38, 1-based): chr12:110,342,412, G>T. VCF-style: chr12-110342412-G-T. GRCh37 (hg19) VCF-style: chr12-110780217-G-T.
Other names: c.2177G>T, p.Arg726Leu (NM_001413013.1); c.2282G>T, p.Arg761Leu (NM_001413014.1, NM_001681.4); c.1907G>T, p.Arg636Leu (NM_001413015.1); short protein forms R726L, R761L, R636L.
Identifiers: ClinVar variation 4710039 (VCV004710039.1).